The following is an entry in ClinVar:

NM_001330260.2(SCN8A):c.658A>T (p.Arg220Ter)

Gene: SCN8A (sodium voltage-gated channel alpha subunit 8; plus strand). Cytogenetic location: 12q13.13.
Variant type: single nucleotide variant.
Coding change: c.658A>T on transcript NM_001330260.2 (MANE Select); coding-DNA position 658, A replaced by T.
Protein change: p.Arg220Ter; replaces arginine 220 with a stop codon.
Molecular consequence: nonsense. On other transcripts: intron variant (2).
Genome position (GRCh38, 1-based): chr12:51,689,048, A>T. VCF-style: chr12-51689048-A-T. GRCh37 (hg19) VCF-style: chr12-52082832-A-T.
Other names: c.658A>T, p.Arg220Ter (NM_001369788.1); c.706+199A>T (NM_014191.4, NM_001177984.3); short protein forms R220*.
Identifiers: ClinVar variation 2571979 (VCV002571979.1), dbSNP rs2540159207, ClinGen allele CA385224635.

ClinVar aggregate classification (germline): Uncertain significance (1 of 4 stars; one submission).

Submission:

GeneDx
Classification: Uncertain significance. Last evaluated: 2023-01-10. Review status: criteria provided, single submitter. Criteria: GeneDx Variant Classification Process June 2021. Collection method: clinical testing. Allele origin: germline. Affected: yes.
Comment: Not observed at significant frequency in large population cohorts (gnomAD); Nonsense variant predicted to result in protein truncation or nonsense mediated decay in a transcript of a gene for which loss of function is not a well-established mechanism of disease; Has not been previously published as pathogenic or benign to our knowledge; Reported using an alternate transcript of the gene